The following is an entry in ClinVar:

NM_016292.3(TRAP1):c.1753T>C (p.Trp585Arg)

Genes: DNASE1 (deoxyribonuclease 1; plus strand), TRAP1 (TNF receptor associated protein 1; minus strand). Cytogenetic location: 16p13.3.
Variant type: single nucleotide variant.
Coding change: c.1753T>C on transcript NM_016292.3 (MANE Select); coding-DNA position 1753, T replaced by C.
Protein change: p.Trp585Arg; replaces tryptophan 585 with arginine.
Molecular consequence: missense variant. On other transcripts: 3 prime UTR variant (1).
Genome position (GRCh38, 1-based): chr16:3,662,923, A>G on the plus strand (T>C on the coding strand, the complement: TRAP1 is on the minus strand). VCF-style: chr16-3662923-A-G. GRCh37 (hg19) VCF-style: chr16-3712924-A-G.
Other names: c.1594T>C, p.Trp532Arg (NM_001272049.2); c.*299A>G (NM_001387140.1); short protein forms W532R, W585R.
Identifiers: ClinVar variation 2177956 (VCV002177956.3), dbSNP rs749530717, ClinGen allele CA7867899.

ClinVar aggregate classification (germline): Uncertain significance (1 of 4 stars; one submission).

Allele frequency attached by ClinVar (database versions not stated): TOPMed 0.00005; gnomAD 0.00006; ExAC 0.00005; gnomAD exomes 0.00003.
gnomAD v4.1: 55 of 1,613,060 alleles (0.0034%); highest among the groups gnomAD compares: Non-Finnish European, 0.0039%; no homozygotes.

Submission:

Labcorp Genetics (formerly Invitae), Labcorp
Classification: Uncertain significance. Last evaluated: 2024-12-09. Review status: criteria provided, single submitter. Criteria: Invitae Variant Classification Sherloc (09022015). Collection method: clinical testing. Allele origin: germline.
Comment: This sequence change replaces tryptophan, which is neutral and slightly polar, with arginine, which is basic and polar, at codon 585 of the TRAP1 protein (p.Trp585Arg). This variant is present in population databases (rs749530717, gnomAD 0.009%). This variant has not been reported in the literature in individuals affected with TRAP1-related conditions. ClinVar contains an entry for this variant (Variation ID: 2177956). Invitae Evidence Modeling of protein sequence and biophysical properties (such as structural, functional, and spatial information, amino acid conservation, physicochemical variation, residue mobility, and thermodynamic stability) indicates that this missense variant is not expected to disrupt TRAP1 protein function with a negative predictive value of 80%. In summary, the available evidence is currently insufficient to determine the role of this variant in disease. Therefore, it has been classified as a Variant of Uncertain Significance.